The following is an entry in ClinVar:

NM_004006.3(DMD):c.8028-114C>A

Gene: DMD (dystrophin; minus strand). Cytogenetic location: Xp21.1.
Variant type: single nucleotide variant.
Coding change: c.8028-114C>A on transcript NM_004006.3 (MANE Select); 114 bases into the intron before coding-DNA position 8028, C replaced by A.
Molecular consequence: intron variant.
Genome position (GRCh38, 1-based): chrX:31,627,976, G>T on the plus strand (C>A on the coding strand, the complement: DMD is on the minus strand). VCF-style: chrX-31627976-G-T. GRCh37 (hg19) VCF-style: chrX-31646093-G-T.
Other names: c.8004-114C>A (NM_000109.4); c.4005-114C>A (NM_004011.4); c.3996-114C>A (NM_004012.4); c.648-114C>A (NM_004023.3, NM_004020.4, NM_004022.3 and 2 more transcripts); c.8016-114C>A (NM_004009.3); c.7659-114C>A (NM_004010.3).
Identifiers: ClinVar variation 676569 (VCV000676569.2), dbSNP rs72466579, ClinGen allele CA328458526.

ClinVar aggregate classification (germline): Likely benign. Review status: criteria provided, multiple submitters, no conflicts (2 of 4 stars). 2 submissions from 2 submitters: Likely benign (2). Last evaluated 2018-06-14.

Allele frequency attached by ClinVar (database versions not stated): 1000 Genomes Project 0.00371; TOPMed 0.00379; 1000 Genomes Project 30x 0.00395; gnomAD 0.00511 and 0.00527; gnomAD exomes 0.00613.
gnomAD v4.1: 4,104 of 680,263 alleles (0.6%); highest among the groups gnomAD compares: Non-Finnish European, 0.49%; 29 homozygotes.

Submissions (2):

GeneDx
Classification: Likely benign. Last evaluated: 2018-06-14. Review status: criteria provided, single submitter. Criteria: GeneDx Variant Classification (06012015). Collection method: clinical testing. Allele origin: germline. Affected: yes.
Comment: This variant is considered likely benign or benign based on one or more of the following criteria: it is a conservative change, it occurs at a poorly conserved position in the protein, it is predicted to be benign by multiple in silico algorithms, and/or has population frequency not consistent with disease.

Breakthrough Genomics
Classification: Likely benign. Review status: criteria provided, single submitter. Criteria: ACMG Guidelines, 2015. Collection method: not provided. Allele origin: germline. Inheritance: X-linked inheritance. Affected: yes.